The following is an entry in ClinVar:

NM_000372.5(TYR):c.580del (p.Ile194fs)

Gene: TYR (tyrosinase; plus strand). Cytogenetic location: 11q14.3.
Variant type: Deletion.
Coding change: c.580del on transcript NM_000372.5 (MANE Select); coding-DNA position 580, one base deleted (A; older notation c.580delA).
Protein change: p.Ile194fs; shifts the reading frame from isoleucine 194.
Molecular consequence: frameshift variant.
Genome position (GRCh38, 1-based): chr11:89,178,533, A deleted; the last of 3 consecutive A bases (chr11:89,178,531-89,178,533); deleting any one gives the same sequence. VCF-style (leftmost placement, unchanged base first): chr11-89178530-GA-G. GRCh37 (hg19) VCF-style: chr11-88911698-GA-G.
Other names: short protein forms I194fs.
Identifiers: ClinVar variation 212705 (VCV000212705.6), dbSNP rs797046132, ClinGen allele CA277301.

ClinVar aggregate classification (germline): Pathogenic. Review status: criteria provided, single submitter (1 of 4 stars). 2 submissions from 2 submitters: Pathogenic (1). 1 of the submissions does not count toward it. Last evaluated 2025-05-05.

Conditions:
Oculocutaneous albinism type 1A (OCA1A). Also called: Albinism, oculocutaneous, type IA. Identifiers: Orphanet 352731, Orphanet 79431, MedGen C4551504, MONDO:0008745, OMIM 203100. Disease mechanism: loss of function.

Submissions (2):

Labcorp Genetics (formerly Invitae), Labcorp
Classification: Pathogenic. Last evaluated: 2025-05-05. Review status: criteria provided, single submitter. Criteria: Invitae Variant Classification Sherloc (09022015). Collection method: clinical testing. Allele origin: germline.
Comment: This sequence change creates a premature translational stop signal (p.Ile194Serfs*32) in the TYR gene. It is expected to result in an absent or disrupted protein product. Loss-of-function variants in TYR are known to be pathogenic (PMID: 23504663). This variant is not present in population databases (gnomAD no frequency). This premature translational stop signal has been observed in individual(s) with oculocutaneous albinism (PMID: 25455140). ClinVar contains an entry for this variant (Variation ID: 212705). For these reasons, this variant has been classified as Pathogenic.

Laboratorio de Genetica Humana; Universidad de los Andes
Classification: Likely pathogenic for Tyrosinase-negative oculocutaneous albinism. Last evaluated: 2013-11-01. Review status: no assertion criteria provided. Collection method: research. Allele origin: paternal. Inheritance: Autosomal recessive inheritance. Affected: yes. Not counted in ClinVar's aggregate classification.

Literature cited by the submitters: PubMed 23504663 (cited by Labcorp Genetics (formerly Invitae), Labcorp); PubMed 25455140 (cited by Labcorp Genetics (formerly Invitae), Labcorp).